The following is an entry in ClinVar:

NM_017534.6(MYH2):c.4163G>C (p.Arg1388Pro)

Genes: MYHAS (myosin heavy chain gene cluster antisense RNA; plus strand), MYH2 (myosin heavy chain 2; minus strand). Cytogenetic location: 17p13.1.
Variant type: single nucleotide variant.
Coding change: c.4163G>C on transcript NM_017534.6 (MANE Select); coding-DNA position 4163, G replaced by C.
Protein change: p.Arg1388Pro; replaces arginine 1388 with proline.
Molecular consequence: missense variant.
Genome position (GRCh38, 1-based): chr17:10,526,623, C>G on the plus strand (G>C on the coding strand, the complement: MYH2 is on the minus strand). VCF-style: chr17-10526623-C-G. GRCh37 (hg19) VCF-style: chr17-10429940-C-G.
Other names: c.4163G>C, p.Arg1388Pro (NM_001100112.2); short protein forms R1388P.
Identifiers: ClinVar variation 3679448 (VCV003679448.2).
Genomic context (GRCh38, chr17:10,526,623, plus strand): 5'-AGTTTTCTGCTCATTCTCTCATATCTGTGCACATACTTGGCCTCCTCCAGCTCCTCTGTG[C>G]GCTGGATGGCGTCCGTCTCGTATTTGGTCCTCCATTGGGCAACCTCGGTGTTGGCCTTGG-3'
Protein context (NP_060004.3, residues 1378-1398): RTKYETDAIQ[Arg1388Pro]TEELEEAKKK

ClinVar aggregate classification (germline): Uncertain significance (1 of 4 stars; one submission).

Conditions:
Myopathy, proximal, and ophthalmoplegia (CMYO6). Also called: CONGENITAL MYOPATHY 6 WITH OPHTHALMOPLEGIA; MYOPATHY WITH CONGENITAL JOINT CONTRACTURES, OPHTHALMOPLEGIA, AND RIMMED VACUOLES; INCLUSION BODY MYOPATHY 3, AUTOSOMAL DOMINANT. Identifiers: Orphanet 363677, Orphanet 79091, MedGen C1854106, MONDO:0011577, OMIM 605637.

Submission:

Labcorp Genetics (formerly Invitae), Labcorp
Classification: Uncertain significance for Myopathy, proximal, and ophthalmoplegia. Last evaluated: 2024-08-28. Review status: criteria provided, single submitter. Criteria: Invitae Variant Classification Sherloc (09022015). Collection method: clinical testing. Allele origin: germline.
Comment: This sequence change replaces arginine, which is basic and polar, with proline, which is neutral and non-polar, at codon 1388 of the MYH2 protein (p.Arg1388Pro). This variant is not present in population databases (gnomAD no frequency). This variant has not been reported in the literature in individuals affected with MYH2-related conditions. Invitae Evidence Modeling of protein sequence and biophysical properties (such as structural, functional, and spatial information, amino acid conservation, physicochemical variation, residue mobility, and thermodynamic stability) indicates that this missense variant is not expected to disrupt MYH2 protein function with a negative predictive value of 80%. In summary, the available evidence is currently insufficient to determine the role of this variant in disease. Therefore, it has been classified as a Variant of Uncertain Significance.